The following is an entry in ClinVar:

ClinVar aggregate classification (germline): Pathogenic/Likely pathogenic. Review status: criteria provided, multiple submitters, no conflicts (2 of 4 stars). 12 submissions from 12 submitters: Pathogenic (4); Likely pathogenic (7). 1 of the submissions does not count toward it. Last evaluated 2026-01-27.

Conditions:
SGCA-related disorder. Also called: SGCA-related condition.
Autosomal recessive limb-girdle muscular dystrophy. Identifiers: Orphanet 102015, MedGen C2931907, MONDO:0015152.
Autosomal recessive limb-girdle muscular dystrophy type 2D (LGMDR3). Also called: MUSCULAR DYSTROPHY, LIMB-GIRDLE, AUTOSOMAL RECESSIVE 3; ADHALINOPATHY, PRIMARY; DUCHENNE-LIKE AUTOSOMAL RECESSIVE MUSCULAR DYSTROPHY, TYPE 2. Identifiers: Orphanet 62, MedGen C2936332, MONDO:0011968, OMIM 608099. Disease mechanism: Affects gamma-sarcoglycan and also disrupts the integrity of the entire sarcoglycan complex..

Allele frequency attached by ClinVar (database versions not stated): gnomAD exomes 0.00002 and 0.00005; TOPMed 0.00002; gnomAD 0.00003; ESP Exome Variant Server 0.00008; ExAC 0.00013.
gnomAD v4.1: 41 of 1,579,846 alleles (0.0026%); highest among the groups gnomAD compares: Non-Finnish European, 0.00052%; no homozygotes.

Submissions (12):

Labcorp Genetics (formerly Invitae), Labcorp
Classification: Pathogenic for Autosomal recessive limb-girdle muscular dystrophy type 2D. Last evaluated: 2026-01-27. Review status: criteria provided, single submitter. Criteria: Invitae Variant Classification Sherloc (09022015). Collection method: clinical testing. Allele origin: germline.
Comment: This sequence change replaces leucine, which is neutral and non-polar, with proline, which is neutral and non-polar, at codon 173 of the SGCA protein (p.Leu173Pro). This variant is present in population databases (rs143962150, gnomAD 0.1%). This missense change has been observed in individual(s) with sarcoglycanopathy (PMID: 9032047, 18285821; internal data). In at least one individual the data is consistent with being in trans (on the opposite chromosome) from a pathogenic variant. ClinVar contains an entry for this variant (Variation ID: 281027). Invitae Evidence Modeling of protein sequence and biophysical properties (such as structural, functional, and spatial information, amino acid conservation, physicochemical variation, residue mobility, and thermodynamic stability) indicates that this missense variant is expected to disrupt SGCA protein function with a positive predictive value of 95%. For these reasons, this variant has been classified as Pathogenic.

Natera, Inc.
Classification: Likely pathogenic for Limb-girdle muscular dystrophy type 2D. Last evaluated: 2025-09-22. Review status: criteria provided, single submitter. Criteria: Natera Variant Classification Schema (03/2026). Collection method: clinical testing. Allele origin: germline.
Comment: The c.518T>C variant in SGCA is a missense variant predicted to cause substitution of leucine to proline at amino acid 173. This variant is rare in the general population with a frequency below the threshold expected for the associated phenotype(s). This variant has been observed in one or more individuals affected with the associated recessive disease, as either homozygous or compound heterozygous with a second variant (PMID: 38876406, 18285821, 9393893, 9032047). Computational prediction algorithms indicate this variant is likely to affect gene or protein function. Given the available evidence, this variant is classified as Likely Pathogenic.

Fulgent Genetics
Classification: Likely pathogenic for Autosomal recessive limb-girdle muscular dystrophy type 2D. Last evaluated: 2024-06-24. Review status: criteria provided, single submitter. Criteria: ACMG Guidelines, 2015. Collection method: clinical testing. Allele origin: germline.

Revvity Omics, Revvity
Classification: Likely pathogenic for Autosomal recessive limb-girdle muscular dystrophy type 2D. Last evaluated: 2024-03-28. Review status: criteria provided, single submitter. Criteria: ACMG Guidelines, 2015. Collection method: clinical testing. Allele origin: germline.

Blueprint Genetics
Classification: Pathogenic for SGCA-related disorders. Last evaluated: 2023-12-22. Review status: criteria provided, single submitter. Criteria: ACMG Guidelines, 2015. Collection method: clinical testing. Allele origin: germline. Affected: yes. Observed: 3 variant alleles.

Athena Diagnostics
Classification: Likely pathogenic. Last evaluated: 2023-03-30. Review status: criteria provided, single submitter. Criteria: Athena Diagnostics Criteria. Collection method: clinical testing. Allele origin: unknown.
Comment: The frequency of this variant in the general population is consistent with pathogenicity. This variant has been identified in at least one individual with clinical features associated with this gene. In multiple individuals, this variant has been seen with a single recessive pathogenic variant in the same gene, suggesting this variant may also be pathogenic. Computational tools predict that this variant is damaging.

Genome-Nilou Lab
Classification: Likely pathogenic for Autosomal recessive limb-girdle muscular dystrophy type 2D. Last evaluated: 2023-02-08. Review status: criteria provided, single submitter. Criteria: ACMG Guidelines, 2015. Collection method: clinical testing. Allele origin: germline.

Myriad Genetics, Inc.
Classification: Likely pathogenic for Autosomal recessive limb-girdle muscular dystrophy type 2D. Last evaluated: 2021-11-08. Review status: criteria provided, single submitter. Criteria: Myriad Women's Health Autosomal Recessive and X-Linked Classification Criteria (2021). Collection method: clinical testing. Allele origin: unknown.
Comment: NM_000023.2(SGCA):c.518T>C(L173P) is a missense variant classified as likely pathogenic in the context of alpha-sarcoglycanopathy. L173P has been observed in cases with relevant disease (PMID: 18285821, 9393893, 9032047). Functional assessments of this variant are not available in the literature. L173P has been observed in population frequency databases (gnomAD: ASJ 0.09%). In summary, NM_000023.2(SGCA):c.518T>C(L173P) is a missense variant that has been observed more frequently in cases with the relevant disease than in healthy populations. Please note: this variant was assessed in the context of healthy population screening.

GeneDx
Classification: Pathogenic. Last evaluated: 2020-05-15. Review status: criteria provided, single submitter. Criteria: GeneDx Variant Classification Process June 2021. Collection method: clinical testing. Allele origin: germline. Affected: yes.
Comment: Observed in multiple patients who harbored a second SGCA variant with complete a-sarcoglycan deficiency (Duggan et al., 1997; Trabelsi et al., 2008); In silico analysis supports that this missense variant has a deleterious effect on protein structure/function; This variant is associated with the following publications: (PMID: 9032047, 18285821, 24742800, 9192266)

Women's Health and Genetics/Laboratory Corporation of America, LabCorp
Classification: Likely pathogenic for Limb-girdle muscular dystrophy, autosomal recessive. Last evaluated: 2019-11-08. Review status: criteria provided, single submitter. Criteria: LabCorp Variant Classification Summary - May 2015. Collection method: clinical testing. Allele origin: germline.
Comment: Variant summary: SGCA c.518T>C (p.Leu173Pro) results in a non-conservative amino acid change in the encoded protein sequence. The variant is indicated to be located in a potential glycosylation site (Carrie_1997). Five of five in-silico tools predict a damaging effect of the variant on protein function. The variant allele was found at a frequency of 4.6e-05 in 193856 control chromosomes (gnomAD). c.518T>C has been reported in the literature in individuals affected with Limb-girdle muscular dystrophy, autosomal recessive (Carrie_1997, Duggan_1997, Trabelsi_2008). Trabelsi_2008 reports the compound heterozygote patient showed decreased protein levels for gamma-sarcoglycan and no protein expression for alpha-sarcoglycan. These data indicate that the variant is likely associated with disease. To our knowledge, no experimental evidence demonstrating an impact on protein function has been reported. A ClinVar submission (evaluation after 2014) cites the variant as pathogenic. Based on the evidence outlined above, the variant was classified as likely pathogenic.

Eurofins Ntd Llc (ga)
Classification: Pathogenic. Last evaluated: 2015-12-16. Review status: criteria provided, single submitter. Criteria: EGL Classification Definitions 2015. Collection method: clinical testing. Allele origin: germline. Observed: 2 variant alleles, 2 heterozygotes.

Department of Pathology and Laboratory Medicine, Sinai Health System
Classification: Uncertain significance for Autosomal recessive limb-girdle muscular dystrophy type 2D. Last evaluated: 2021-10-25. Review status: flagged submission. Criteria: ACMG Guidelines, 2015. Collection method: research. Allele origin: germline. Not counted in ClinVar's aggregate classification.
ClinVar note: Reason: Outlier claim with insufficient supporting evidence

Literature cited by the submitters: PubMed 9032047 (cited by 6 submitters); PubMed 18285821 (cited by 6 submitters); PubMed 38876406 (cited by Natera, Inc.); PubMed 9393893 (cited by 3 submitters); PubMed 9192266 (cited by 3 submitters); PubMed 25898921 (cited by Athena Diagnostics).

NM_000023.4(SGCA):c.518T>C (p.Leu173Pro)

Gene: SGCA (sarcoglycan alpha; plus strand). Cytogenetic location: 17q21.33.
Variant type: single nucleotide variant.
Coding change: c.518T>C on transcript NM_000023.4 (MANE Select); coding-DNA position 518, T replaced by C.
Protein change: p.Leu173Pro; replaces leucine 173 with proline.
Molecular consequence: missense variant. On other transcripts: non-coding transcript variant (1).
Genome position (GRCh38, 1-based): chr17:50,168,506, T>C. VCF-style: chr17-50168506-T-C. GRCh37 (hg19) VCF-style: chr17-48245867-T-C.
Other names: c.518T>C, p.Leu173Pro (NM_001135697.3); short protein forms L173P.
Identifiers: ClinVar variation 281027 (VCV000281027.31), dbSNP rs143962150, ClinGen allele CA8643817.